The following is an entry in ClinVar:

ClinVar aggregate classification (germline): Uncertain significance. Review status: criteria provided, multiple submitters, no conflicts (2 of 4 stars). 2 submissions from 2 submitters: Uncertain significance (2). Last evaluated 2025-10-07.

gnomAD v4.1: 7 of 1,613,634 alleles (0.00043%); highest among the groups gnomAD compares: Admixed American, 0.0033%; no homozygotes.

Submissions (2):

Ambry Genetics
Classification: Uncertain significance. Last evaluated: 2025-10-07. Review status: criteria provided, single submitter. Criteria: Ambry Variant Classification Scheme 2023. Collection method: clinical testing. Allele origin: germline.

Labcorp Genetics (formerly Invitae), Labcorp
Classification: Uncertain significance. Last evaluated: 2024-07-24. Review status: criteria provided, single submitter. Criteria: Invitae Variant Classification Sherloc (09022015). Collection method: clinical testing. Allele origin: germline.
Comment: This sequence change replaces alanine, which is neutral and non-polar, with valine, which is neutral and non-polar, at codon 1853 of the MYH7B protein (p.Ala1853Val). This variant is present in population databases (rs374907349, gnomAD 0.004%). This variant has not been reported in the literature in individuals affected with MYH7B-related conditions. Advanced modeling of protein sequence and biophysical properties (such as structural, functional, and spatial information, amino acid conservation, physicochemical variation, residue mobility, and thermodynamic stability) performed at Invitae indicates that this missense variant is not expected to disrupt MYH7B protein function with a negative predictive value of 80%. In summary, the available evidence is currently insufficient to determine the role of this variant in disease. Therefore, it has been classified as a Variant of Uncertain Significance.

NM_020884.7(MYH7B):c.5432C>T (p.Ala1811Val)

Gene: MYH7B (myosin heavy chain 7B; plus strand). Cytogenetic location: 20q11.22.
Variant type: single nucleotide variant.
Coding change: c.5432C>T on transcript NM_020884.7 (MANE Select); coding-DNA position 5432, C replaced by T.
Protein change: p.Ala1811Val; replaces alanine 1811 with valine.
Molecular consequence: missense variant.
Genome position (GRCh38, 1-based): chr20:35,001,115, C>T. VCF-style: chr20-35001115-C-T. GRCh37 (hg19) VCF-style: chr20-33588918-C-T.
Other names: c.5558C>T (NM_020884.3); short protein forms A1811V.
Identifiers: ClinVar variation 3671888 (VCV003671888.3).